The following is an entry in ClinVar:

NM_001297.5(CNGB1):c.583+2T>C

Gene: CNGB1 (cyclic nucleotide gated channel subunit beta 1; minus strand). Cytogenetic location: 16q21.
Variant type: single nucleotide variant.
Coding change: c.583+2T>C on transcript NM_001297.5 (MANE Select); the canonical splice donor site of the intron after coding-DNA position 583, T replaced by C.
Molecular consequence: splice donor variant. On other transcripts: intron variant (1).
Genome position (GRCh38, 1-based): chr16:57,960,480, A>G on the plus strand (T>C on the coding strand, the complement: CNGB1 is on the minus strand). VCF-style: chr16-57960480-A-G. GRCh37 (hg19) VCF-style: chr16-57994384-A-G.
Other names: c.565+20T>C (NM_001286130.2); c.583+2T>C (NM_001135639.2, NM_001297.4).
Identifiers: ClinVar variation 1066008 (VCV001066008.9), dbSNP rs755036276, ClinGen allele CA8083759.

ClinVar aggregate classification (germline): Pathogenic/Likely pathogenic. Review status: criteria provided, multiple submitters, no conflicts (2 of 4 stars). 3 submissions from 3 submitters: Pathogenic (1); Likely pathogenic (2). Last evaluated 2026-01-12.

Conditions:
CNGB1-related disorder. Also called: CNGB1-related condition.
Retinitis pigmentosa 45 (RP45). Identifiers: Orphanet 791, MedGen C3151066, MONDO:0013413, OMIM 613767.

Allele frequency attached by ClinVar (database versions not stated): gnomAD exomes below 0.00001 and 0.00001; ExAC 0.00002; TOPMed 0.00004; gnomAD 0.00005 and 0.00006.
gnomAD v4.1: 10 of 1,613,282 alleles (0.00062%); highest among the groups gnomAD compares: African/African-American, 0.013%; no homozygotes.

Submissions (3):

Labcorp Genetics (formerly Invitae), Labcorp
Classification: Likely pathogenic. Last evaluated: 2026-01-12. Review status: criteria provided, single submitter. Criteria: Invitae Variant Classification Sherloc (09022015). Collection method: clinical testing. Allele origin: germline.
Comment: This sequence change affects a donor splice site in intron 9 of the CNGB1 gene. It is expected to disrupt RNA splicing. Variants that disrupt the donor or acceptor splice site typically lead to a loss of protein function (PMID: 16199547), and loss-of-function variants in CNGB1 are known to be pathogenic (PMID: 15557452, 24043777). This variant is present in population databases (rs755036276, gnomAD 0.02%). Disruption of this splice site has been observed in individual(s) with retinitis pigmentosa (PMID: 33465333). ClinVar contains an entry for this variant (Variation ID: 1066008). Algorithms developed to predict the effect of sequence changes on RNA splicing suggest that this variant may disrupt the consensus splice site. In summary, the currently available evidence indicates that the variant is pathogenic, but additional data are needed to prove that conclusively. Therefore, this variant has been classified as Likely Pathogenic.

PreventionGenetics, part of Exact Sciences
Classification: Likely pathogenic for CNGB1-related condition. Last evaluated: 2025-09-20. Review status: criteria provided, single submitter. Criteria: ACMG Guidelines, 2015. Collection method: clinical testing. Allele origin: germline.
Comment: The CNGB1 c.583+2T>C variant is predicted to disrupt the GT donor site and interfere with normal splicing. This varianthas been reported, along with another variant in the gene, in an individual with autosomal recessive retinitis pigmentosa (Radojevic et al. 2021. PubMed ID: 33465333; Lynn et al. 2022. PubMed ID: 36672815). A minigene assay has shown that this variant results in exon skipping (Mauro-Herrera et al. 2021. PubMed ID: 34209753). This variant is reported in 0.020% of alleles in individuals of African descent in gnomAD. Variants that disrupt the consensus splice donor site in CNGB1 are expected to be pathogenic. This variant is interpreted as likely pathogenic.

Fulgent Genetics
Classification: Pathogenic for Retinitis pigmentosa 45. Last evaluated: 2024-03-21. Review status: criteria provided, single submitter. Criteria: ACMG Guidelines, 2015. Collection method: clinical testing. Allele origin: germline.

Literature cited by the submitters: PubMed 16199547 (cited by Labcorp Genetics (formerly Invitae), Labcorp); PubMed 15557452 (cited by Labcorp Genetics (formerly Invitae), Labcorp); PubMed 24043777 (cited by Labcorp Genetics (formerly Invitae), Labcorp); PubMed 33465333 (cited by Labcorp Genetics (formerly Invitae), Labcorp).